The following is an entry in ClinVar:

ClinVar aggregate classification (germline): Uncertain significance (1 of 4 stars; one submission).

Conditions:
Hereditary cancer-predisposing syndrome. Also called: Tumor predisposition; Hereditary Cancer Syndrome; Neoplastic Syndromes, Hereditary; Hereditary neoplastic syndrome. Identifiers: Orphanet 140162, MedGen C0027672, MeSH D009386, MONDO:0015356.

Submission:

Color Diagnostics, LLC DBA Color Health
Classification: Uncertain significance for Hereditary cancer-predisposing syndrome. Last evaluated: 2025-08-17. Review status: criteria provided, single submitter. Criteria: ACMG Guidelines, 2015. Collection method: clinical testing. Allele origin: germline.
Comment: This missense variant replaces serine with arginine at codon 474 of the PALB2 protein. Computational prediction suggests that this variant may not impact protein structure and function. To our knowledge, functional studies have not been reported for this variant. This variant has not been reported in individuals affected with PALB2-related disorders in the literature. This variant has not been identified in the general population by the Genome Aggregation Database (gnomAD). The available evidence is insufficient to determine the role of this variant in disease conclusively. Therefore, this variant is classified as a Variant of Uncertain Significance.

NM_024675.4(PALB2):c.1420A>C (p.Ser474Arg)

Gene: PALB2 (partner and localizer of BRCA2; minus strand). Cytogenetic location: 16p12.2.
Variant type: single nucleotide variant.
Coding change: c.1420A>C on transcript NM_024675.4 (MANE Select); coding-DNA position 1420, A replaced by C.
Protein change: p.Ser474Arg; replaces serine 474 with arginine.
Molecular consequence: missense variant. On other transcripts: intron variant (3).
Genome position (GRCh38, 1-based): chr16:23,635,126, T>G on the plus strand (A>C on the coding strand, the complement: PALB2 is on the minus strand). VCF-style: chr16-23635126-T-G. GRCh37 (hg19) VCF-style: chr16-23646447-T-G.
Other names: c.1420A>C, p.Ser474Arg (NM_001407298.1, NM_001407299.1, NM_001407301.1 and 3 more transcripts); c.1360A>C, p.Ser454Arg (NM_001407296.1); c.535A>C, p.Ser179Arg (NM_001407304.1, NM_001407305.1, NM_001407306.1 and 5 more transcripts); c.49-5851A>C (NM_001407314.1); c.-104-4657A>C (NM_001407313.1, NM_001407312.1); short protein forms S179R, S454R, S474R.
Identifiers: ClinVar variation 4756197 (VCV004756197.1).
Genomic context (GRCh38, chr16:23,635,126, plus strand): 5'-TGGGCCCAGCGGGAGAGCTGACTTTAGTTAATGAGAGAAGTTTCTGAGAGGTTCTTGAAC[T>G]TGGTTGTCCTGTGCATGTGCCAGACATCCTAATTTCACTTTGGTCAGTTTCCTCATTGGA-3'
Protein context (NP_078951.2, residues 464-484): RMSGTCTGQP[Ser474Arg]SRTSQKLLSL